The following is an entry in ClinVar:

NC_000007.13:g.(?_6026380)_(6042277_?)dup

Gene: PMS2 (PMS1 homolog 2, mismatch repair system component; minus strand). Cytogenetic location: 7p22.1.
Variant type: Duplication.
Identifiers: ClinVar variation 1373151 (VCV001373151.3).

ClinVar aggregate classification (germline): Uncertain significance (1 of 4 stars; one submission).

Conditions:
Hereditary nonpolyposis colorectal neoplasms. Identifiers: MedGen C0009405, MeSH D003123.

Submission:

Labcorp Genetics (formerly Invitae), Labcorp
Classification: Uncertain significance for Hereditary nonpolyposis colorectal neoplasms. Last evaluated: 2021-01-08. Review status: criteria provided, single submitter. Criteria: Invitae Variant Classification Sherloc (09022015). Collection method: clinical testing. Allele origin: germline.
Comment: This variant results in a copy number gain of the genomic region encompassing exon(s) 5-15 of the PMS2 gene. The 5' boundary is likely confined to intron 4. The 3' end of this event is unknown as it extends beyond the assayed region for this gene and therefore may encompass additional genes. As the precise location of this event is unknown, it may be in tandem or it may be located elsewhere in the genome. This variant has not been reported in the literature in individuals with PMS2-related conditions. Experimental studies and prediction algorithms are not available or were not evaluated, and the functional significance of this variant is currently unknown. In summary, the available evidence is currently insufficient to determine the role of this variant in disease. Therefore, it has been classified as a Variant of Uncertain Significance.